The following is an entry in ClinVar:

ClinVar aggregate classification (germline): Likely pathogenic (1 of 4 stars; one submission).

Conditions:
Autosomal recessive limb-girdle muscular dystrophy type 2I. Also called: MUSCULAR DYSTROPHY-DYSTROGLYCANOPATHY (LIMB-GIRDLE), TYPE C, 5; MUSCULAR DYSTROPHY-DYSTROGLYCANOPATHY, LIMB-GIRDLE, FRKP-RELATED; MUSCULAR DYSTROPHY, LIMB-GIRDLE, TYPE 2I. Identifiers: Orphanet 34515, MedGen C1846672, MONDO:0011787, OMIM 607155.

Submission:

Natera, Inc.
Classification: Likely pathogenic for Limb-girdle muscular dystrophy type 2I. Last evaluated: 2025-08-04. Review status: criteria provided, single submitter. Criteria: Natera Variant Classification Schema (03/2026). Collection method: clinical testing. Allele origin: germline.
Comment: The c.1005_1011delinsACGCTACTGGCTCGAGGGCGCTACTGGCACTG variant in FKRP is a frameshift variant predicted to shift the reading frame beginning at codon 336 and leads to a stop codon 62 codons downstream. This variant is expected to result in nonsense mediated decay, truncation, or a dysfunctional protein product. This variant is rare in the general population with a frequency below the threshold expected for the associated phenotype(s). Given the available evidence, this variant is classified as Likely Pathogenic.

NM_024301.5(FKRP):c.1005_1011delinsACGCTACTGGCTCGAGGGCGCTACTGGCACTG (p.Ala336fs)

Gene: FKRP (fukutin related protein; plus strand). Cytogenetic location: 19q13.32.
Variant type: Indel.
Coding change: c.1005_1011delinsACGCTACTGGCTCGAGGGCGCTACTGGCACTG on transcript NM_024301.5 (MANE Select); coding-DNA positions 1005 to 1011, the reference bases replaced by an inserted sequence.
Protein change: p.Ala336fs; shifts the reading frame from alanine 336.
Molecular consequence: frameshift variant.
Genome position (GRCh38, 1-based): chr19:46,756,455-46,756,461, 7 bases replaced. GRCh37 (hg19): chr19:47,259,712-47,259,718.
Other names: c.1005_1011delinsACGCTACTGGCTCGAGGGCGCTACTGGCACTG, p.Ala336fs (NM_001039885.3); short protein forms A336fs.
Identifiers: ClinVar variation 4816127 (VCV004816127.1).
Genomic context (GRCh38, chr19:46,756,455, plus strand): 5'-CCCCTGCTGCCTGCGCGCGCTGCGCGAGACCGCCCGCTATGTGGTGGGCGTGCTGGAGGC[TGCGGGC>ACGCTACTGGCTCGAGGGCGCTACTGGCACTG]GTGCGCTACTGGCTCGAGGGCGGCTCACTGCTGGGGGCCGCCCGCCACGGGGACATCATC-3'